The following is an entry in ClinVar:

NM_024757.5(EHMT1):c.150G>A (p.Ala50=)

Gene: EHMT1 (euchromatic histone lysine methyltransferase 1; plus strand). Cytogenetic location: 9q34.3.
Variant type: single nucleotide variant.
Coding change: c.150G>A on transcript NM_024757.5 (MANE Select); coding-DNA position 150, G replaced by A.
Protein change: p.Ala50=; no amino-acid change (alanine 50 retained).
Molecular consequence: synonymous variant.
Genome position (GRCh38, 1-based): chr9:137,716,690, G>A. VCF-style: chr9-137716690-G-A. GRCh37 (hg19) VCF-style: chr9-140611142-G-A.
Other names: c.150G>A, p.Ala50= (NM_001354263.2, NM_001354611.2, NM_001145527.2); c.57G>A, p.Ala19= (NM_001354612.2, NM_001354259.2).
Identifiers: ClinVar variation 365990 (VCV000365990.30), dbSNP rs371344592, ClinGen allele CA5374192.

ClinVar aggregate classification (germline): Conflicting classifications of pathogenicity. Review status: criteria provided, conflicting classifications (1 of 4 stars). 7 submissions from 7 submitters: Uncertain significance (1); Likely benign (6). Last evaluated 2026-02-01.

Conditions:
EHMT1-related disorder. Also called: EHMT1-related condition.
Kleefstra syndrome 1 (KLEFS1). Identifiers: Orphanet 261494, MedGen C0795833, MONDO:0027407, OMIM 610253.
Inborn genetic diseases. Identifiers: MedGen C0950123, MeSH D030342.

Allele frequency attached by ClinVar (database versions not stated): gnomAD exomes 0.00006 and 0.00008; TOPMed 0.00006; ESP Exome Variant Server 0.00008; gnomAD 0.00008 and 0.00009; ExAC 0.00010.
gnomAD v4.1: 105 of 1,606,006 alleles (0.0065%); highest among the groups gnomAD compares: Middle Eastern, 0.033%; 1 homozygote.

Submissions (7):

CeGaT Center for Human Genetics Tuebingen
Classification: Likely benign. Last evaluated: 2026-02-01. Review status: criteria provided, single submitter. Criteria: CeGaT Center For Human Genetics Tuebingen Variant Classification Criteria Version 2. Collection method: clinical testing. Allele origin: germline. Affected: yes. Observed: 1 variant allele.
Comment: EHMT1: BP4, BP7

Labcorp Genetics (formerly Invitae), Labcorp
Classification: Likely benign for Kleefstra syndrome 1. Last evaluated: 2026-01-28. Review status: criteria provided, single submitter. Criteria: Invitae Variant Classification Sherloc (09022015). Collection method: clinical testing. Allele origin: germline.

PreventionGenetics, part of Exact Sciences
Classification: Likely benign for EHMT1-related condition. Last evaluated: 2025-10-23. Review status: criteria provided, single submitter. Criteria: ACMG Guidelines, 2015. Collection method: clinical testing. Allele origin: germline.
Comment: This variant is classified as likely benign based on ACMG/AMP sequence variant interpretation guidelines (Richards et al. 2015 PMID: 25741868, with internal and published modifications).

Blueprint Genetics
Classification: Likely benign. Last evaluated: 2022-07-11. Review status: criteria provided, single submitter. Criteria: ACMG Guidelines, 2015. Collection method: clinical testing. Allele origin: germline.

GeneDx
Classification: Likely benign. Last evaluated: 2021-01-18. Review status: criteria provided, single submitter. Criteria: GeneDx Variant Classification Process June 2021. Collection method: clinical testing. Allele origin: germline. Affected: yes.

Genetic Services Laboratory, University of Chicago
Classification: Uncertain significance. Last evaluated: 2017-03-22. Review status: criteria provided, single submitter. Criteria: ACMG Guidelines, 2015. Collection method: clinical testing. Allele origin: germline. Affected: no.

Ambry Genetics
Classification: Likely benign for Inborn genetic diseases. Last evaluated: 2017-01-13. Review status: criteria provided, single submitter. Criteria: Ambry Variant Classification Scheme 2023. Collection method: clinical testing. Allele origin: germline.